The following is an entry in ClinVar:

NM_001377304.1(GFI1B):c.550C>T (p.Arg184Cys)

Gene: GFI1B (growth factor independent 1B transcriptional repressor; plus strand). Cytogenetic location: 9q34.13.
Variant type: single nucleotide variant.
Coding change: c.550C>T on transcript NM_001377304.1 (MANE Select); coding-DNA position 550, C replaced by T.
Protein change: p.Arg184Cys; replaces arginine 184 with cysteine.
Molecular consequence: missense variant. On other transcripts: intron variant (2).
Genome position (GRCh38, 1-based): chr9:132,989,100, C>T. VCF-style: chr9-132989100-C-T. GRCh37 (hg19) VCF-style: chr9-135864487-C-T.
Other names: p.Arg184Cys; c.550C>T, p.Arg184Cys (NM_001371908.1, NM_004188.8); c.510+632C>T (NM_001135031.2, NM_001377305.1); c.550C>T (NM_004188.7); short protein forms R184C.
Identifiers: ClinVar variation 1048772 (VCV001048772.5), dbSNP rs771408008, ClinGen allele CA5301991.
Genomic context (GRCh38, chr9:132,989,100, plus strand): 5'-ACATGCTGCCCCTGCTCCCAGGTCTTCTCCACCCCTCACGGGCTCGAAGTGCATGTGCGA[C>T]GCTCCCATAGTGGGACCCGGCCCTTCGCCTGTGACATCTGCGGCAAAACCTTCGGCCACG-3'
Protein context (NP_001364233.1, residues 174-194): TPHGLEVHVR[Arg184Cys]SHSGTRPFAC

ClinVar aggregate classification (germline): Uncertain significance. Review status: criteria provided, multiple submitters, no conflicts (2 of 4 stars). 5 submissions from 5 submitters: Uncertain significance (5). Last evaluated 2025-02-24.

Conditions:
GFI1B-related disorder. Also called: GFI1B-related condition.
Platelet-type bleeding disorder 17 (BDPLT17). Also called: Thrombasthenia-thrombocytopenia, hereditary. Identifiers: Orphanet 721, MedGen C1861194, MONDO:0008553, OMIM 187900.

Allele frequency attached by ClinVar (database versions not stated): ExAC 0.00001; gnomAD 0.00005 and 0.00006; TOPMed 0.00007.
gnomAD v4.1: 35 of 1,613,790 alleles (0.0022%); highest among the groups gnomAD compares: African/African-American, 0.015%; no homozygotes.

Submissions (5):

PreventionGenetics, part of Exact Sciences
Classification: Uncertain significance for GFI1B-related condition. Last evaluated: 2025-02-24. Review status: criteria provided, single submitter. Criteria: ACMG Guidelines, 2015. Collection method: clinical testing. Allele origin: germline.
Comment: The GFI1B c.550C>T variant is predicted to result in the amino acid substitution p.Arg184Cys. To our knowledge, this variant has not been reported in the literature. This variant is reported in 0.020% of alleles in individuals of African descent in gnomAD. At this time, the clinical significance of this variant is uncertain due to the absence of conclusive functional and genetic evidence.

Mayo Clinic Laboratories, Mayo Clinic
Classification: Uncertain significance. Last evaluated: 2023-10-23. Review status: criteria provided, single submitter. Criteria: ACMG Guidelines, 2015. Collection method: clinical testing. Allele origin: germline. Observed: 1 variant allele.
Comment: PM1_supporting

Women's Health and Genetics/Laboratory Corporation of America, LabCorp
Classification: Uncertain significance. Last evaluated: 2023-05-24. Review status: criteria provided, single submitter. Criteria: LabCorp Variant Classification Summary - May 2015. Collection method: clinical testing. Allele origin: germline.
Comment: Variant summary: GFI1B c.550C>T (p.Arg184Cys) results in a non-conservative amino acid change located in the Zinc finger C2H2-type domain (IPR013087) of the encoded protein sequence. Four of five in-silico tools predict a damaging effect of the variant on protein function. The variant allele was found at a frequency of 4.2e-05 in 282592 control chromosomes (gnomAD). To our knowledge, no occurrence of c.550C>T in individuals affected with Platelet-Type Bleeding Disorder 17 and no experimental evidence demonstrating its impact on protein function have been reported. One ClinVar submitter has assessed the variant since 2014: the variant was classified as uncertain significance. Based on the evidence outlined above, the variant was classified as uncertain significance.

Johns Hopkins Genomics, Johns Hopkins University
Classification: Uncertain significance for Platelet-type bleeding disorder 17. Last evaluated: 2021-03-15. Review status: criteria provided, single submitter. Criteria: ACMG Guidelines, 2015. Collection method: clinical testing. Allele origin: germline.
Comment: GFI1B c.550C>T (rs771408008) is rare (<0.1%) in a large population dataset (gnomAD: 12/282592 total alleles; 00.0042%; no homozygotes). It has not been reported in ClinVar nor the literature to our knowledge. Three bioinformatic tools queried predict that this substitution would be damaging and the arginine residue at this position is evolutionarily conserved across all species assessed except lamprey. We consider the clinical significance of GFI1B c.550C>T to be uncertain at this time.

ISTH-SSC Genomics in Thrombosis and Hemostasis, KU Leuven, Center for Molecular and Vascular Biology
Classification: Uncertain significance for Platelet-type bleeding disorder 17. Review status: criteria provided, single submitter. Criteria: ACMG Guidelines, 2015. Collection method: clinical testing. Allele origin: germline. Affected: yes. Observed: 1 heterozygote.
Comment: Submitted to the GoldVariant database by Dr Marie-Christine Morel-Kopp; Northern Blood Research Centre, Sydney, Australia

Literature cited by the submitters: PubMed 30573501 (cited by Johns Hopkins Genomics, Johns Hopkins University).